The following is an entry in ClinVar:

NM_016312.3(WBP11):c.836C>G (p.Ser279Ter)

Gene: WBP11 (WW domain binding protein 11; minus strand). Cytogenetic location: 12p12.3.
Variant type: single nucleotide variant.
Coding change: c.836C>G on transcript NM_016312.3 (MANE Select); coding-DNA position 836, C replaced by G.
Protein change: p.Ser279Ter; replaces serine 279 with a stop codon.
Molecular consequence: nonsense.
Genome position (GRCh38, 1-based): chr12:14,793,808, G>C on the plus strand (C>G on the coding strand, the complement: WBP11 is on the minus strand). VCF-style: chr12-14793808-G-C. GRCh37 (hg19) VCF-style: chr12-14946742-G-C.
Other names: short protein forms S279*.
Identifiers: ClinVar variation 4528374 (VCV004528374.1).

ClinVar aggregate classification (germline): Pathogenic (1 of 4 stars; one submission).

Conditions:
Vertebral, cardiac, tracheoesophageal, renal, and limb defects. Also called: VCTERL SYNDROME. Identifiers: MedGen C5543189, MONDO:0030987, OMIM 619227.

Submission:

Department of Medical Genetics, International Peace Maternity and Child Health Hospital, Shanghai Jiao Tong University School of Medicine
Classification: Pathogenic for Vertebral, cardiac, tracheoesophageal, renal, and limb defects. Last evaluated: 2025-11-06. Review status: criteria provided, single submitter. Criteria: ACMG Guidelines, 2015. Collection method: clinical testing. Allele origin: de novo. Affected: yes. Observed: 1 variant allele.
Comment: The variant resides closer to the N-terminus of the full-length 641-amino-acid WBP11 protein, it is likely to trigger nonsense-mediated mRNA decay (NMD)(PVS1).The c.2137G>C variant has not been included in gnomAD database (PM2_Supporting).